The following is an entry in ClinVar:

NM_003476.5(CSRP3):c.229G>T (p.Ala77Ser)

Gene: CSRP3 (cysteine and glycine rich protein 3; minus strand). Cytogenetic location: 11p15.1.
Variant type: single nucleotide variant.
Coding change: c.229G>T on transcript NM_003476.5 (MANE Select); coding-DNA position 229, G replaced by T.
Protein change: p.Ala77Ser; replaces alanine 77 with serine.
Molecular consequence: missense variant. On other transcripts: intron variant (1).
Genome position (GRCh38, 1-based): chr11:19,188,188, C>A on the plus strand (G>T on the coding strand, the complement: CSRP3 is on the minus strand). VCF-style: chr11-19188188-C-A. GRCh37 (hg19) VCF-style: chr11-19209735-C-A.
Other names: p.A77S:GCT>TCT; c.229G>T (LRG_440t1); c.113-1840G>T (NM_001369404.1); short protein forms A77S.
Identifiers: ClinVar variation 201694 (VCV000201694.19), dbSNP rs746207, ClinGen allele CA335106.
Genomic context (GRCh38, chr11:19,188,188, plus strand): 5'-TAACTCACTGTTGGAACTGCAGGCCGAGATGCTCGCCCGTGTCTGTGCTGAGACAGCCAG[C>A]GCCTTGTCCATACCCGATCCCTTTGGGGCCATATCTGCGCCCATAGCACACCTTGCAGTA-3'
Protein context (NP_003467.1, residues 67-87): GPKGIGYGQG[Ala77Ser]GCLSTDTGEH

ClinVar aggregate classification (germline): Uncertain significance. Review status: criteria provided, multiple submitters, no conflicts (2 of 4 stars). 4 submissions from 4 submitters: Uncertain significance (4). Last evaluated 2026-01-13.

Conditions:
Cardiovascular phenotype. Identifiers: MedGen CN230736.
Hypertrophic cardiomyopathy 12. Identifiers: MedGen C2677491, MONDO:0012804, OMIM 612124.
Dilated cardiomyopathy 1M (CMD1M). Identifiers: Orphanet 154, MedGen C1843808, MONDO:0011840, OMIM 607482.

Allele frequency attached by ClinVar (database versions not stated): TOPMed 0.00001.
gnomAD v4.1: 7 of 1,614,042 alleles (0.00043%); highest among the groups gnomAD compares: Admixed American, 0.012%; no homozygotes.

Submissions (4):

Labcorp Genetics (formerly Invitae), Labcorp
Classification: Uncertain significance for Hypertrophic cardiomyopathy 12; Dilated cardiomyopathy 1M. Last evaluated: 2026-01-13. Review status: criteria provided, single submitter. Criteria: Invitae Variant Classification Sherloc (09022015). Collection method: clinical testing. Allele origin: germline.
Comment: This sequence change replaces alanine, which is neutral and non-polar, with serine, which is neutral and polar, at codon 77 of the CSRP3 protein (p.Ala77Ser). This variant is present in population databases (rs746207, gnomAD 0.02%). This variant has not been reported in the literature in individuals affected with CSRP3-related conditions. ClinVar contains an entry for this variant (Variation ID: 201694). An algorithm developed to predict the effect of missense changes on protein structure and function (PolyPhen-2) suggests that this variant is likely to be disruptive. In summary, the available evidence is currently insufficient to determine the role of this variant in disease. Therefore, it has been classified as a Variant of Uncertain Significance.

GeneDx
Classification: Uncertain significance. Last evaluated: 2024-05-29. Review status: criteria provided, single submitter. Criteria: GeneDx Variant Classification Process June 2021. Collection method: clinical testing. Allele origin: germline. Affected: yes.
Comment: Has not been previously published as pathogenic or benign to our knowledge; In silico analysis supports that this missense variant has a deleterious effect on protein structure/function

Ambry Genetics
Classification: Uncertain significance for Cardiovascular phenotype. Last evaluated: 2021-08-19. Review status: criteria provided, single submitter. Criteria: Ambry Variant Classification Scheme 2023. Collection method: clinical testing. Allele origin: germline.
Comment: The p.A77S variant (also known as c.229G>T), located in coding exon 2 of the CSRP3 gene, results from a G to T substitution at nucleotide position 229. The alanine at codon 77 is replaced by serine, an amino acid with similar properties. This amino acid position is conserved. In addition, the in silico prediction for this alteration is inconclusive. Since supporting evidence is limited at this time, the clinical significance of this alteration remains unclear.

Illumina Laboratory Services, Illumina
Classification: Uncertain significance for Hypertrophic cardiomyopathy 12. Last evaluated: 2018-01-13. Review status: criteria provided, single submitter. Criteria: ICSL Variant Classification Criteria 13 December 2019. Collection method: clinical testing. Allele origin: germline.